The following is an entry in ClinVar:

NM_001113491.2(SEPTIN9):c.268C>T (p.Leu90=)

Gene: SEPTIN9 (septin 9; plus strand). Cytogenetic location: 17q25.3.
Variant type: single nucleotide variant.
Coding change: c.268C>T on transcript NM_001113491.2 (MANE Select); coding-DNA position 268, C replaced by T.
Protein change: p.Leu90=; no amino-acid change (leucine 90 retained).
Molecular consequence: synonymous variant. On other transcripts: 5 prime UTR variant (2).
Genome position (GRCh38, 1-based): chr17:77,402,250, C>T. VCF-style: chr17-77402250-C-T. GRCh37 (hg19) VCF-style: chr17-75398332-C-T.
Other names: p.Leu72=; c.-225C>T (NM_001113492.2, NM_001113494.1); c.247C>T, p.Leu83= (NM_001113493.2); c.211C>T, p.Leu71= (NM_001293695.2); c.214C>T, p.Leu72= (NM_006640.5).
Identifiers: ClinVar variation 713383 (VCV000713383.40), dbSNP rs78745349, ClinGen allele CA8793159.
Genomic context (GRCh38, chr17:77,402,250, plus strand): 5'-AACTCAGAACCCTCGGCCCGCCATGTGGACTCCCTAAGCCAACGCTCCCCCAAGGCGTCC[C>T]TGCGGAGGGTGGAGCTCTCGGGCCCCAAGGCGGCCGAGCCGGTGTCCCGGCGCACTGAGC-3'
Protein context (NP_001106963.1, residues 80-100): SLSQRSPKAS[Leu90=]RRVELSGPKA

ClinVar aggregate classification (germline): Benign/Likely benign. Review status: criteria provided, multiple submitters, no conflicts (2 of 4 stars). 7 submissions from 7 submitters: Benign (4); Likely benign (3). Last evaluated 2026-06-01.

Conditions:
Amyotrophic neuralgia (HNA). Also called: Hereditary Brachial Plexus Neuropathy; Neuritis with Brachial Predilection; AMYOTROPHY, HEREDITARY NEURALGIC; AMYOTROPHY, HEREDITARY NEURALGIC, WITH PREDILECTION FOR BRACHIAL PLEXUS. Identifiers: Orphanet 2901, MedGen C1834304, MONDO:0008076, OMIM 162100.

Allele frequency attached by ClinVar (database versions not stated): ESP Exome Variant Server 0.00008; gnomAD 0.00034 and 0.00041; TOPMed 0.00046; gnomAD exomes 0.00048 and 0.00071; ExAC 0.00091; 1000 Genomes Project 30x 0.00094; 1000 Genomes Project 0.00100.
gnomAD v4.1: 778 of 1,613,236 alleles (0.048%); highest among the groups gnomAD compares: Middle Eastern, 0.48%; 5 homozygotes.

Submissions (7):

CeGaT Center for Human Genetics Tuebingen
Classification: Likely benign. Last evaluated: 2026-06-01. Review status: criteria provided, single submitter. Criteria: CeGaT Center For Human Genetics Tuebingen Variant Classification Criteria Version 2. Collection method: clinical testing. Allele origin: germline. Affected: yes. Observed: 2 variant alleles.
Comment: SEPTIN9: BP4, BS1

Labcorp Genetics (formerly Invitae), Labcorp
Classification: Benign. Last evaluated: 2025-12-03. Review status: criteria provided, single submitter. Criteria: Invitae Variant Classification Sherloc (09022015). Collection method: clinical testing. Allele origin: germline.

Mayo Clinic Laboratories, Mayo Clinic
Classification: Likely benign. Last evaluated: 2025-01-02. Review status: criteria provided, single submitter. Criteria: ACMG Guidelines, 2015. Collection method: clinical testing. Allele origin: germline. Observed: 1 variant allele.
Comment: BS2, BP4, BP7

Blueprint Genetics
Classification: Likely benign. Last evaluated: 2024-11-18. Review status: criteria provided, single submitter. Criteria: ACMG Guidelines, 2015. Collection method: clinical testing. Allele origin: germline.

Genome-Nilou Lab
Classification: Benign for Amyotrophic neuralgia. Last evaluated: 2021-12-05. Review status: criteria provided, single submitter. Criteria: ACMG Guidelines, 2015. Collection method: clinical testing. Allele origin: germline. Affected: no.

Illumina Laboratory Services, Illumina
Classification: Benign for Amyotrophy, hereditary neuralgic. Last evaluated: 2018-01-13. Review status: criteria provided, single submitter. Criteria: ICSL Variant Classification Criteria 13 December 2019. Collection method: clinical testing. Allele origin: germline.
Comment: This variant was observed in the ICSL laboratory as part of a predisposition screen in an ostensibly healthy population. It had not been previously curated by ICSL or reported in the Human Gene Mutation Database (HGMD: prior to June 1st, 2018), and was therefore a candidate for classification through an automated scoring system. Utilizing variant allele frequency, disease prevalence and penetrance estimates, and inheritance mode, an automated score was calculated to assess if this variant is too frequent to cause the disease. Based on the score and internal cut-off values, a variant classified as benign is not then subjected to further curation. The score for this variant resulted in a classification of benign for this disease.

Breakthrough Genomics
Classification: Benign. Review status: criteria provided, single submitter. Criteria: ACMG Guidelines, 2015. Collection method: not provided. Allele origin: germline. Inheritance: Autosomal dominant inheritance. Affected: yes.